The following is an entry in ClinVar:

NM_018938.4(PCDHB4):c.915del (p.Lys305fs)

Genes: PCDHB@ (protocadherin beta cluster; plus strand), PCDHB4 (protocadherin beta 4; plus strand). Cytogenetic location: 5q31.3.
Variant type: Deletion.
Coding change: c.915del on transcript NM_018938.4 (MANE Select); coding-DNA position 915, one base deleted (A; older notation c.915delA).
Protein change: p.Lys305fs; shifts the reading frame from lysine 305.
Molecular consequence: frameshift variant.
Genome position (GRCh38, 1-based): chr5:141,122,913, A deleted; the last of 9 consecutive A bases (chr5:141,122,905-141,122,913); deleting any one gives the same sequence. VCF-style (leftmost placement, unchanged base first): chr5-141122904-GA-G. GRCh37 (hg19) VCF-style: chr5-140502486-GA-G.
Other names: short protein forms K305fs.
Identifiers: ClinVar variation 183300 (VCV000183300.5), dbSNP rs372292910, ClinGen allele CA249926.
Genomic context (GRCh38, chr5:141,122,904, plus strand): 5'-AGCATCAGATGAAATTAAACAAACTTTCTCAATAAATGAAGTCACGGGAGAAATACTGTT[GA>G]AAAAAAAATTGGATTTCGAAAAAATTAAATCTTACCATGTAGAAATTGAGGCCACAGATG-3'

ClinVar aggregate classification (germline): Uncertain significance. Review status: criteria provided, single submitter (1 of 4 stars). 2 submissions from 2 submitters: Uncertain significance (1). 1 of the submissions does not count toward it. Last evaluated 2020-09-23.

Conditions:
Epilepsy. Also called: Seizure disorder. Identifiers: MedGen C0014544, MeSH D004827, MONDO:0005027.
Microcephaly. Also called: Microcephaly (disease). Identifiers: MedGen C4551563, MONDO:0001149, HP:0000252.
Intellectual disability. Also called: Intellectual functioning disability; Intellectual developmental disorder; intellectual disabilities. Identifiers: MedGen C3714756, MeSH D008607, MONDO:0001071, HP:0001249.
Seizure. Also called: Seizures. Identifiers: MedGen C0036572, HP:0001250.

Submissions (2):

New York Genome Center
Classification: Uncertain significance. Last evaluated: 2020-09-23. Review status: criteria provided, single submitter. Criteria: NYGC Assertion Criteria 2020. Collection method: clinical testing. Allele origin: germline. Observed: 1 heterozygote. Study: CSER-NYCKidSeq.

Genomic Medicine Center of Excellence, King Faisal Specialist Hospital and Research Centre
Classification: Likely pathogenic for Intellectual disability; Microcephaly; Epilepsy. Last evaluated: 2014-12-01. Review status: no assertion criteria provided. Criteria: research. Collection method: research. Allele origin: germline. Affected: yes. Not counted in ClinVar's aggregate classification.

Literature cited by the submitters: PubMed 25558065 (cited by Genomic Medicine Center of Excellence, King Faisal Specialist Hospital and Research Centre).